The following is an entry in ClinVar:

NM_001394062.1(MACF1):c.18447+3A>G

Gene: MACF1 (microtubule actin crosslinking factor 1; plus strand). Cytogenetic location: 1p34.3.
Variant type: single nucleotide variant.
Coding change: c.18447+3A>G on transcript NM_001394062.1 (MANE Select); 3 bases into the intron after coding-DNA position 18447, A replaced by G.
Molecular consequence: intron variant.
Genome position (GRCh38, 1-based): chr1:39,439,503, A>G. VCF-style: chr1-39439503-A-G. GRCh37 (hg19) VCF-style: chr1-39905175-A-G.
Other names: c.12270+3A>G (NM_012090.5, NM_012090.4); c.6525+3A>G (NM_001397473.1).
Identifiers: ClinVar variation 2139056 (VCV002139056.7), dbSNP rs201349444, ClinGen allele CA783876.

ClinVar aggregate classification (germline): Benign/Likely benign. Review status: criteria provided, multiple submitters, no conflicts (2 of 4 stars). 4 submissions from 4 submitters: Benign (1); Likely benign (3). Last evaluated 2025-11-10.

Conditions:
MACF1-related disorder. Also called: MACF1-related condition.
Lissencephaly 9 with complex brainstem malformation. Identifiers: Orphanet 572013, MedGen C5193029, MONDO:0032677, OMIM 618325.
Inborn genetic diseases. Identifiers: MedGen C0950123, MeSH D030342.

Allele frequency attached by ClinVar (database versions not stated): TOPMed 0.00009; gnomAD 0.00010; ExAC 0.00013; ESP Exome Variant Server 0.00031.
gnomAD v4.1: 166 of 1,611,030 alleles (0.01%); highest among the groups gnomAD compares: Middle Eastern, 0.016%; no homozygotes.

Submissions (4):

Labcorp Genetics (formerly Invitae), Labcorp
Classification: Benign. Last evaluated: 2025-11-10. Review status: criteria provided, single submitter. Criteria: Invitae Variant Classification Sherloc (09022015). Collection method: clinical testing. Allele origin: germline.

PreventionGenetics, part of Exact Sciences
Classification: Likely benign for MACF1-related condition. Last evaluated: 2025-05-24. Review status: criteria provided, single submitter. Criteria: ACMG Guidelines, 2015. Collection method: clinical testing. Allele origin: germline.
Comment: This variant is classified as likely benign based on ACMG/AMP sequence variant interpretation guidelines (Richards et al. 2015 PMID: 25741868, with internal and published modifications).

Genome-Nilou Lab
Classification: Likely benign for Lissencephaly 9 with complex brainstem malformation. Last evaluated: 2023-04-11. Review status: criteria provided, single submitter. Criteria: ACMG Guidelines, 2015. Collection method: clinical testing. Allele origin: germline. Affected: no.

Ambry Genetics
Classification: Likely benign for Inborn genetic diseases. Last evaluated: 2022-05-05. Review status: criteria provided, single submitter. Criteria: Ambry Variant Classification Scheme 2023. Collection method: clinical testing. Allele origin: germline.